The following is an entry in ClinVar:

NM_138694.4(PKHD1):c.446C>T (p.Pro149Leu)

Gene: PKHD1 (PKHD1 ciliary IPT domain containing fibrocystin/polyductin; minus strand). Cytogenetic location: 6p12.2.
Variant type: single nucleotide variant.
Coding change: c.446C>T on transcript NM_138694.4 (MANE Select); coding-DNA position 446, C replaced by T.
Protein change: p.Pro149Leu; replaces proline 149 with leucine.
Molecular consequence: missense variant.
Genome position (GRCh38, 1-based): chr6:52,076,278, G>A on the plus strand (C>T on the coding strand, the complement: PKHD1 is on the minus strand). VCF-style: chr6-52076278-G-A. GRCh37 (hg19) VCF-style: chr6-51941076-G-A.
Other names: c.446C>T, p.Pro149Leu (NM_170724.3); short protein forms P149L.
Identifiers: ClinVar variation 636402 (VCV000636402.2), dbSNP rs1582123954, ClinGen allele CA364437743.

ClinVar aggregate classification (germline): Uncertain significance (1 of 4 stars; one submission).

Conditions:
Polycystic kidney disease 4 (PKD4). Also called: POLYCYSTIC KIDNEY DISEASE 4 WITH OR WITHOUT POLYCYSTIC LIVER DISEASE; PKD3; POLYCYSTIC KIDNEY AND HEPATIC DISEASE 1; POLYCYSTIC KIDNEY DISEASE, INFANTILE, TYPE I; Autosomal Recessive Polycystic Kidney Disease – PKHD1. Identifiers: MedGen C4540575, MONDO:0033004, OMIM 263200.

Submission:

Neuberg Centre For Genomic Medicine, NCGM
Classification: Uncertain significance for Polycystic kidney disease 4. Last evaluated: 2023-05-20. Review status: criteria provided, single submitter. Criteria: ACMG Guidelines, 2015. Collection method: clinical testing. Allele origin: germline. Inheritance: Autosomal recessive inheritance. Affected: yes.
Comment: The observed missense c.446C>T(p.Pro149Leu) variant in PKHD1 gene has not been reported previously as a pathogenic variant nor as a benign variant, to our knowledge. This variant is absent in gnomAD Exomes. This variant has been reported to the ClinVar database as Uncertain Significance. However, no details are available for independent assessment. The amino acid Pro at position 149 is changed to a Leu changing protein sequence and it might alter its composition and physico-chemical properties. The amino acid change p.Pro149Leu in PKHD1 is predicted as conserved by GERP++ and PhyloP across 100 vertebrates. Multiple lines of computational evidence (Polyphen - Damaging, SIFT - Damaging and MutationTaster - Disease causing) predict a damaging effect on protein structure and function for this variant. For these reasons, this variant has been classified as Uncertain Significance.